The following is an entry in ClinVar:

ClinVar aggregate classification (germline): Benign/Likely benign. Review status: criteria provided, multiple submitters, no conflicts (2 of 4 stars). 10 submissions from 10 submitters: Benign (1); Likely benign (7). 2 of the submissions do not count toward it. Last evaluated 2026-02-03.

Conditions:
MSH6-related disorder. Also called: MSH6-related condition; MSH6-Related disorders.
Lynch syndrome. Identifiers: Orphanet 144, MedGen C4552100, MONDO:0005835. Disease mechanism: loss of function.
Hereditary nonpolyposis colorectal neoplasms. Identifiers: MedGen C0009405, MeSH D003123.
Lynch syndrome 5 (LYNCH5). Also called: Colorectal cancer, hereditary nonpolyposis, type 5; Hereditary non-polyposis colorectal cancer, type 5. Identifiers: Orphanet 144, MedGen C1833477, MONDO:0013710, OMIM 614350. Disease mechanism: loss of function.
Hereditary cancer-predisposing syndrome. Also called: Neoplastic Syndromes, Hereditary; Tumor predisposition; Hereditary Cancer Syndrome; Hereditary neoplastic syndrome. Identifiers: Orphanet 140162, MedGen C0027672, MeSH D009386, MONDO:0015356.

Allele frequency attached by ClinVar (database versions not stated): ExAC 0.00001; gnomAD 0.00001; gnomAD exomes 0.00001; TOPMed 0.00001.
gnomAD v4.1: 19 of 1,610,752 alleles (0.0012%); highest among the groups gnomAD compares: Admixed American, 0.0017%; no homozygotes.

Submissions (10):

Labcorp Genetics (formerly Invitae), Labcorp
Classification: Likely benign for Hereditary nonpolyposis colorectal neoplasms. Last evaluated: 2026-02-03. Review status: criteria provided, single submitter. Criteria: Invitae Variant Classification Sherloc (09022015). Collection method: clinical testing. Allele origin: germline.

Department of Pathology and Laboratory Medicine, Sinai Health System
Classification: Likely benign for Lynch syndrome. Last evaluated: 2024-05-13. Review status: criteria provided, single submitter. Criteria: ACMG Guidelines, 2015. Collection method: clinical testing. Allele origin: germline. Affected: yes.

All of Us Research Program, National Institutes of Health
Classification: Likely benign for Lynch syndrome. Last evaluated: 2023-11-02. Review status: criteria provided, single submitter. Criteria: ACMG Guidelines, 2015. Collection method: clinical testing. Allele origin: germline. Inheritance: Autosomal dominant inheritance. Observed: 3 variant alleles, 3 heterozygotes.
Comment: This study involves interpretation of variants in research participants for the purpose of population health screening. Participant phenotype was not available at the time of variant classification. Additional details can be found in publication PMID: 35346344, PMCID: PMC8962531

Myriad Genetics, Inc.
Classification: Benign for Lynch syndrome 5. Last evaluated: 2023-03-27. Review status: criteria provided, single submitter. Criteria: Myriad Autosomal Dominant, Autosomal Recessive and X-Linked Classification Criteria (2023). Collection method: clinical testing. Allele origin: unknown.
Comment: This variant is considered benign. This variant is a silent/synonymous amino acid change and it is not expected to impact splicing.

Sema4
Classification: Likely benign for Hereditary cancer-predisposing syndrome. Last evaluated: 2021-08-10. Review status: criteria provided, single submitter. Criteria: Sema4 Curation Guidelines. Collection method: curation. Allele origin: germline.

GeneDx
Classification: Likely benign. Last evaluated: 2017-12-06. Review status: criteria provided, single submitter. Criteria: GeneDx Variant Classification (06012015). Collection method: clinical testing. Allele origin: germline. Affected: yes.
Comment: This variant is considered likely benign or benign based on one or more of the following criteria: it is a conservative change, it occurs at a poorly conserved position in the protein, it is predicted to be benign by multiple in silico algorithms, and/or has population frequency not consistent with disease.

Color Diagnostics, LLC DBA Color Health
Classification: Likely benign for Hereditary cancer-predisposing syndrome. Last evaluated: 2017-06-06. Review status: criteria provided, single submitter. Criteria: ACMG Guidelines, 2015. Collection method: clinical testing. Allele origin: germline.

Ambry Genetics
Classification: Likely benign for Hereditary cancer-predisposing syndrome. Last evaluated: 2015-02-03. Review status: criteria provided, single submitter. Criteria: Ambry Variant Classification Scheme 2023. Collection method: clinical testing. Allele origin: germline.

PreventionGenetics, part of Exact Sciences
Classification: Likely benign for MSH6-related condition. Last evaluated: 2019-05-17. Review status: no assertion criteria provided. Collection method: clinical testing. Allele origin: germline. Not counted in ClinVar's aggregate classification.
Comment: This variant is classified as likely benign based on ACMG/AMP sequence variant interpretation guidelines (Richards et al. 2015 PMID: 25741868, with internal and published modifications).

Counsyl
Classification: Likely benign for Lynch syndrome 5. Last evaluated: 2016-10-03. Review status: no assertion criteria provided. Collection method: clinical testing. Allele origin: unknown. Not counted in ClinVar's aggregate classification.

NM_000179.3(MSH6):c.87C>G (p.Arg29=)

Gene: MSH6 (mutS homolog 6; plus strand). Cytogenetic location: 2p16.3.
Variant type: single nucleotide variant.
Coding change: c.87C>G on transcript NM_000179.3 (MANE Select); coding-DNA position 87, C replaced by G.
Protein change: p.Arg29=; no amino-acid change (arginine 29 retained).
Molecular consequence: synonymous variant. On other transcripts: 5 prime UTR variant (1).
Genome position (GRCh38, 1-based): chr2:47,783,320, C>G. VCF-style: chr2-47783320-C-G. GRCh37 (hg19) VCF-style: chr2-48010459-C-G.
Other names: c.87C>G, p.Arg29= (NM_001281492.2); c.-650C>G (NM_001281493.2).
Identifiers: ClinVar variation 230422 (VCV000230422.25), dbSNP rs778354962, ClinGen allele CA073539.